The following is an entry in ClinVar:

NM_002397.5(MEF2C):c.286T>G (p.Cys96Gly)

Gene: MEF2C (myocyte enhancer factor 2C; minus strand). Cytogenetic location: 5q14.3.
Variant type: single nucleotide variant.
Coding change: c.286T>G on transcript NM_002397.5 (MANE Select); coding-DNA position 286, T replaced by G.
Protein change: p.Cys96Gly; replaces cysteine 96 with glycine.
Molecular consequence: missense variant. On other transcripts: 5 prime UTR variant (2), intron variant (10).
Genome position (GRCh38, 1-based): chr5:88,761,301, A>C on the plus strand (T>G on the coding strand, the complement: MEF2C is on the minus strand). VCF-style: chr5-88761301-A-C. GRCh37 (hg19) VCF-style: chr5-88057118-A-C.
Other names: c.286T>G, p.Cys96Gly (NM_001364342.2, NM_001364345.2, NM_001364346.2 and 20 more transcripts); c.-93T>G (NM_001364353.2, NM_001364356.2); c.259-9258T>G (NM_001364344.2, NM_001364354.2, NM_001364332.2 and 3 more transcripts); c.259-176T>G (NM_001131005.2, NM_001364352.2, NM_001364343.2); c.-24-9258T>G (NM_001364357.2); short protein forms C96G.
Identifiers: ClinVar variation 3730661 (VCV003730661.2).

ClinVar aggregate classification (germline): Uncertain significance (1 of 4 stars; one submission).

Conditions:
Neurodevelopmental disorder with hypotonia, stereotypic hand movements, and impaired language. Also called: Intellectual disability, autosomal dominant 20. Identifiers: Orphanet 228384, Orphanet 664410, MedGen C3150700, MONDO:0013266, OMIM 613443.

Submission:

Labcorp Genetics (formerly Invitae), Labcorp
Classification: Uncertain significance for Neurodevelopmental disorder with hypotonia, stereotypic hand movements, and impaired language. Last evaluated: 2024-09-11. Review status: criteria provided, single submitter. Criteria: Invitae Variant Classification Sherloc (09022015). Collection method: clinical testing. Allele origin: germline.
Comment: This sequence change replaces cysteine, which is neutral and slightly polar, with glycine, which is neutral and non-polar, at codon 96 of the MEF2C protein (p.Cys96Gly). This variant is not present in population databases (gnomAD no frequency). This variant has not been reported in the literature in individuals affected with MEF2C-related conditions. Invitae Evidence Modeling of protein sequence and biophysical properties (such as structural, functional, and spatial information, amino acid conservation, physicochemical variation, residue mobility, and thermodynamic stability) has been performed for this missense variant. However, the output from this modeling did not meet the statistical confidence thresholds required to predict the impact of this variant on MEF2C protein function. In summary, the available evidence is currently insufficient to determine the role of this variant in disease. Therefore, it has been classified as a Variant of Uncertain Significance.